The following is an entry in ClinVar:

ClinVar aggregate classification (germline): Uncertain significance (1 of 4 stars; one submission).

Conditions:
Intellectual developmental disorder, autosomal recessive 78 (MRT78). Identifiers: MedGen C5830269, MONDO:0859373, OMIM 620237.

gnomAD v4.1: 65 of 1,613,426 alleles (0.004%); highest among the groups gnomAD compares: Middle Eastern, 0.033%; no homozygotes.

Submission:

3billion
Classification: Uncertain significance for Intellectual developmental disorder, autosomal recessive 78. Last evaluated: 2025-06-10. Review status: criteria provided, single submitter. Criteria: ACMG Guidelines, 2015. Collection method: clinical testing. Allele origin: germline. Affected: yes.
Comment: The variant is observed at an extremely low frequency in the gnomAD v4.1.0 dataset (total allele frequency: 0.004%). Predicted Consequence/Location: Intron variant The variant has been reported as of uncertain significance (ClinVar ID: VCV003776277). Therefore, this variant is classified as VUS according to the recommendation of ACMG/AMP guideline.

NM_018117.12(WDR11):c.995-28C>G

Gene: WDR11 (WD repeat domain 11; plus strand). Cytogenetic location: 10q26.12.
Variant type: single nucleotide variant.
Coding change: c.995-28C>G on transcript NM_018117.12 (MANE Select); 28 bases into the intron before coding-DNA position 995, C replaced by G.
Molecular consequence: intron variant.
Genome position (GRCh38, 1-based): chr10:120,866,541, C>G. VCF-style: chr10-120866541-C-G. GRCh37 (hg19) VCF-style: chr10-122626053-C-G.
Identifiers: ClinVar variation 3776277 (VCV003776277.2).